The following is an entry in ClinVar:

NM_000179.3(MSH6):c.2781T>A (p.Ile927=)

Gene: MSH6 (mutS homolog 6; plus strand). Cytogenetic location: 2p16.3.
Variant type: single nucleotide variant.
Coding change: c.2781T>A on transcript NM_000179.3 (MANE Select); coding-DNA position 2781, T replaced by A.
Protein change: p.Ile927=; no amino-acid change (isoleucine 927 retained).
Molecular consequence: synonymous variant.
Genome position (GRCh38, 1-based): chr2:47,800,764, T>A. VCF-style: chr2-47800764-T-A. GRCh37 (hg19) VCF-style: chr2-48027903-T-A.
Other names: c.2391T>A, p.Ile797= (NM_001281492.2); c.1875T>A, p.Ile625= (NM_001281493.2, NM_001281494.2).
Identifiers: ClinVar variation 1114991 (VCV001114991.15), dbSNP rs771575217, ClinGen allele CA069621.

ClinVar aggregate classification (germline): Benign/Likely benign. Review status: criteria provided, multiple submitters, no conflicts (2 of 4 stars). 4 submissions from 4 submitters: Benign (1); Likely benign (3). Last evaluated 2025-05-05.

Conditions:
Hereditary cancer-predisposing syndrome. Also called: Hereditary neoplastic syndrome; Hereditary Cancer Syndrome; Neoplastic Syndromes, Hereditary; Tumor predisposition. Identifiers: Orphanet 140162, MedGen C0027672, MeSH D009386, MONDO:0015356.
Lynch syndrome 5 (LYNCH5). Also called: Hereditary non-polyposis colorectal cancer, type 5; Colorectal cancer, hereditary nonpolyposis, type 5. Identifiers: Orphanet 144, MedGen C1833477, MONDO:0013710, OMIM 614350. Disease mechanism: loss of function.
Hereditary nonpolyposis colorectal neoplasms. Identifiers: MedGen C0009405, MeSH D003123.

Allele frequency attached by ClinVar (database versions not stated): ExAC 0.00001; gnomAD exomes 0.00001.
gnomAD v4.1: 6 of 1,614,192 alleles (0.00037%); highest among the groups gnomAD compares: South Asian, 0.0044%; no homozygotes.

Submissions (4):

Labcorp Genetics (formerly Invitae), Labcorp
Classification: Likely benign for Hereditary nonpolyposis colorectal neoplasms. Last evaluated: 2025-05-05. Review status: criteria provided, single submitter. Criteria: Invitae Variant Classification Sherloc (09022015). Collection method: clinical testing. Allele origin: germline.

Myriad Genetics, Inc.
Classification: Benign for Lynch syndrome 5. Last evaluated: 2025-01-02. Review status: criteria provided, single submitter. Criteria: Myriad Autosomal Dominant, Autosomal Recessive and X-Linked Classification Criteria (2023). Collection method: clinical testing. Allele origin: unknown.
Comment: This variant is considered benign. This variant is a silent/synonymous amino acid change and it is not expected to impact splicing.

Ambry Genetics
Classification: Likely benign for Hereditary cancer-predisposing syndrome. Last evaluated: 2021-02-12. Review status: criteria provided, single submitter. Criteria: Ambry Variant Classification Scheme 2023. Collection method: clinical testing. Allele origin: germline.

Color Diagnostics, LLC DBA Color Health
Classification: Likely benign for Hereditary cancer-predisposing syndrome. Last evaluated: 2020-12-08. Review status: criteria provided, single submitter. Criteria: ACMG Guidelines, 2015. Collection method: clinical testing. Allele origin: germline.